The following is an entry in ClinVar:

ClinVar aggregate classification (germline): Uncertain significance (1 of 4 stars; one submission).

Conditions:
Inborn genetic diseases. Identifiers: MedGen C0950123, MeSH D030342.

Allele frequency attached by ClinVar (database versions not stated): TOPMed 0.00001.
gnomAD v4.1: 23 of 1,613,364 alleles (0.0014%); highest among the groups gnomAD compares: Non-Finnish European, 0.0019%; no homozygotes.

Submission:

Ambry Genetics
Classification: Uncertain significance for Inborn genetic diseases. Last evaluated: 2021-08-10. Review status: criteria provided, single submitter. Criteria: Ambry Variant Classification Scheme 2023. Collection method: clinical testing. Allele origin: germline.
Comment: The c.601+6T>A intronic alteration consists of a T to A substitution nucleotides after coding exon 5 in the PAX8 gene. Based on insufficient or conflicting evidence, the clinical significance of this alteration remains unclear.

NM_003466.4(PAX8):c.601+6T>A

Genes: PAX8 (paired box 8; minus strand), PAX8-AS1 (PAX8 antisense RNA 1; plus strand), LOC126806316 (P300/CBP strongly-dependent group 1 enhancer GRCh37_chr2:113998497-113999696; plus strand). Cytogenetic location: 2q14.1.
Variant type: single nucleotide variant.
Coding change: c.601+6T>A on transcript NM_003466.4 (MANE Select); 6 bases into the intron after coding-DNA position 601, T replaced by A.
Molecular consequence: intron variant.
Genome position (GRCh38, 1-based): chr2:113,242,002, A>T on the plus strand (T>A on the coding strand, the complement: PAX8 is on the minus strand). VCF-style: chr2-113242002-A-T. GRCh37 (hg19) VCF-style: chr2-113999579-A-T.
Other names: c.601+6T>A (NM_013992.4, NM_013953.4, NM_013952.4).
Identifiers: ClinVar variation 2233164 (VCV002233164.2), dbSNP rs1690894546, ClinGen allele CA1280122329.